The following is an entry in ClinVar:

ClinVar aggregate classification (germline): Uncertain significance (1 of 4 stars; one submission).

Allele frequency attached by ClinVar (database versions not stated): TOPMed below 0.00001; ExAC 0.00003.
gnomAD v4.1: 22 of 1,613,994 alleles (0.0014%); highest among the groups gnomAD compares: South Asian, 0.021%; no homozygotes.

Submission:

Labcorp Genetics (formerly Invitae), Labcorp
Classification: Uncertain significance. Last evaluated: 2022-03-04. Review status: criteria provided, single submitter. Criteria: Invitae Variant Classification Sherloc (09022015). Collection method: clinical testing. Allele origin: germline.
Comment: This sequence change replaces threonine, which is neutral and polar, with isoleucine, which is neutral and non-polar, at codon 937 of the KIAA1549 protein (p.Thr937Ile). This variant is present in population databases (rs770358918, gnomAD 0.04%). This variant has not been reported in the literature in individuals affected with KIAA1549-related conditions. Algorithms developed to predict the effect of missense changes on protein structure and function are either unavailable or do not agree on the potential impact of this missense change (SIFT: "Deleterious"; PolyPhen-2: "Benign"; Align-GVGD: "Class C0"). In summary, the available evidence is currently insufficient to determine the role of this variant in disease. Therefore, it has been classified as a Variant of Uncertain Significance.

NM_001164665.2(KIAA1549):c.2810C>T (p.Thr937Ile)

Gene: KIAA1549 (KIAA1549; minus strand). Cytogenetic location: 7q34.
Variant type: single nucleotide variant.
Coding change: c.2810C>T on transcript NM_001164665.2 (MANE Select); coding-DNA position 2810, C replaced by T.
Protein change: p.Thr937Ile; replaces threonine 937 with isoleucine.
Molecular consequence: missense variant.
Genome position (GRCh38, 1-based): chr7:138,916,816, G>A on the plus strand (C>T on the coding strand, the complement: KIAA1549 is on the minus strand). VCF-style: chr7-138916816-G-A. GRCh37 (hg19) VCF-style: chr7-138601562-G-A.
Other names: c.2810C>T, p.Thr937Ile (NM_020910.3); short protein forms T937I.
Identifiers: ClinVar variation 1976416 (VCV001976416.2), dbSNP rs770358918, ClinGen allele CA4506406.